The following is an entry in ClinVar:

ClinVar aggregate classification (germline): Uncertain significance (1 of 4 stars; one submission).

Conditions:
Early-infantile DEE. Also called: Ohtahara syndrome; Early infantile epileptic encephalopathy with suppression bursts; Early infantile epileptic encephalopathy. Identifiers: Orphanet 1934, MedGen C0393706, MONDO:0800491.

Submission:

Labcorp Genetics (formerly Invitae), Labcorp
Classification: Uncertain significance for Early-infantile DEE. Last evaluated: 2023-11-13. Review status: criteria provided, single submitter. Criteria: Invitae Variant Classification Sherloc (09022015). Collection method: clinical testing. Allele origin: germline.
Comment: This variant, c.1962_1982dup, results in the insertion of 7 amino acid(s) of the SCN8A protein (p.Pro655_Gly661dup), but otherwise preserves the integrity of the reading frame. This variant is present in population databases (rs768554772, gnomAD 0.0009%). This variant has not been reported in the literature in individuals affected with SCN8A-related conditions. ClinVar contains an entry for this variant (Variation ID: 839554). Experimental studies and prediction algorithms are not available or were not evaluated, and the functional significance of this variant is currently unknown. In summary, the available evidence is currently insufficient to determine the role of this variant in disease. Therefore, it has been classified as a Variant of Uncertain Significance.

NM_001330260.2(SCN8A):c.1962_1982dup (p.Pro655_Gly661dup)

Gene: SCN8A (sodium voltage-gated channel alpha subunit 8; plus strand). Cytogenetic location: 12q13.13.
Variant type: Duplication.
Coding change: c.1962_1982dup on transcript NM_001330260.2 (MANE Select); coding-DNA positions 1962 to 1982, 21 bases duplicated (CCCCGGCTCCCACATCGGCGG).
Protein change: p.Pro655_Gly661dup.
Molecular consequence: inframe insertion.
Genome position (GRCh38, 1-based): chr12:51,721,872-51,721,892, CCCCGGCTCCCACATCGGCGG duplicated; duplicating any 21 consecutive bases within chr12:51,721,863-51,721,892 gives the same sequence; the c. name uses the placement nearest the transcript's 3' end. VCF-style (leftmost placement, unchanged base first): chr12-51721862-T-TCATCGGCGGCCCCGGCTCCCA. GRCh37 (hg19) VCF-style: chr12-52115646-T-TCATCGGCGGCCCCGGCTCCCA.
Other names: c.1962_1982dup, p.Pro655_Gly661dup (NM_001177984.3, NM_001369788.1, NM_014191.4).
Identifiers: ClinVar variation 839554 (VCV000839554.10), dbSNP rs768554772, ClinGen allele CA6571366.